The following is an entry in ClinVar:

NM_020778.5(ALPK3):c.-83C>T

Gene: ALPK3 (alpha kinase 3; plus strand). Cytogenetic location: 15q25.3.
Variant type: single nucleotide variant.
Coding change: c.-83C>T on transcript NM_020778.5 (MANE Select); 83 bases upstream of the start codon, C replaced by T.
Molecular consequence: 5 prime UTR variant.
Genome position (GRCh38, 1-based): chr15:84,817,370, C>T. VCF-style: chr15-84817370-C-T. GRCh37 (hg19) VCF-style: chr15-85360601-C-T.
Identifiers: ClinVar variation 1746341 (VCV001746341.8), dbSNP rs1015886974, ClinGen allele CA393369090.

ClinVar aggregate classification (germline): Uncertain significance. Review status: criteria provided, multiple submitters, no conflicts (2 of 4 stars). 3 submissions from 3 submitters: Uncertain significance (3). Last evaluated 2026-04-15.

Conditions:
ALPK3-related disorder. Also called: ALPK3-related condition.
Cardiovascular phenotype. Identifiers: MedGen CN230736.

gnomAD v4.1: 4 of 1,224,496 alleles (0.00033%); highest among the groups gnomAD compares: African/African-American, 0.0016%; no homozygotes.

Submissions (3):

PreventionGenetics, part of Exact Sciences
Classification: Uncertain significance for ALPK3-related condition. Last evaluated: 2026-04-15. Review status: criteria provided, single submitter. Criteria: ACMG Guidelines, 2015. Collection method: clinical testing. Allele origin: germline.
Comment: The ALPK3 c.524C>T variant is predicted to result in the amino acid substitution p.Ala175Val. To our knowledge, this variant has not been reported in the literature or in a large population database (gnomAD), indicating this variant is rare. At this time, the clinical significance of this variant is uncertain due to the absence of conclusive functional and genetic evidence.

Ambry Genetics
Classification: Uncertain significance for Cardiovascular phenotype. Last evaluated: 2022-08-10. Review status: criteria provided, single submitter. Criteria: Ambry Variant Classification Scheme 2023. Collection method: clinical testing. Allele origin: germline.
Comment: The p.A175V variant (also known as c.524C>T), located in coding exon 1 of the ALPK3 gene, results from a C to T substitution at nucleotide position 524. The alanine at codon 175 is replaced by valine, an amino acid with similar properties. This amino acid position is well conserved in available vertebrate species. In addition, this alteration is predicted to be tolerated by in silico analysis. Since supporting evidence is limited at this time, the clinical significance of this alteration remains unclear.

Labcorp Genetics (formerly Invitae), Labcorp
Classification: Uncertain significance. Last evaluated: 2022-03-28. Review status: criteria provided, single submitter. Criteria: Invitae Variant Classification Sherloc (09022015). Collection method: clinical testing. Allele origin: germline.
Comment: In summary, the available evidence is currently insufficient to determine the role of this variant in disease. Therefore, it has been classified as a Variant of Uncertain Significance. Algorithms developed to predict the effect of missense changes on protein structure and function output the following: SIFT: "Deleterious"; PolyPhen-2: "Benign"; Align-GVGD: "Class C0". The valine amino acid residue is found in multiple mammalian species, which suggests that this missense change does not adversely affect protein function. This variant has not been reported in the literature in individuals affected with ALPK3-related conditions. This variant is not present in population databases (gnomAD no frequency). This sequence change replaces alanine, which is neutral and non-polar, with valine, which is neutral and non-polar, at codon 175 of the ALPK3 protein (p.Ala175Val).